The following is an entry in ClinVar:

NM_000238.4(KCNH2):c.1417A>G (p.Thr473Ala)

Gene: KCNH2 (potassium voltage-gated channel subfamily H member 2; minus strand). Cytogenetic location: 7q36.1.
Variant type: single nucleotide variant.
Coding change: c.1417A>G on transcript NM_000238.4 (MANE Select); coding-DNA position 1417, A replaced by G.
Protein change: p.Thr473Ala; replaces threonine 473 with alanine.
Molecular consequence: missense variant. On other transcripts: non-coding transcript variant (2).
Genome position (GRCh38, 1-based): chr7:150,952,565, T>C on the plus strand (A>G on the coding strand, the complement: KCNH2 is on the minus strand). VCF-style: chr7-150952565-T-C. GRCh37 (hg19) VCF-style: chr7-150649653-T-C.
Other names: c.397A>G, p.Thr133Ala (NM_001204798.2, NM_172057.3); c.1129A>G, p.Thr377Ala (NM_001406753.1, NM_001406756.1); c.1240A>G, p.Thr414Ala (NM_001406755.1); c.1117A>G, p.Thr373Ala (NM_001406757.1); c.1417A>G, p.Thr473Ala (NM_172056.3); short protein forms T133A, T373A, T377A, T414A, T473A.
Identifiers: ClinVar variation 2829395 (VCV002829395.3), dbSNP rs199473512, ClinGen allele CA369859796.

ClinVar aggregate classification (germline): Uncertain significance (1 of 4 stars; one submission).

Conditions:
Long QT syndrome (LQTS). Identifiers: MedGen C0023976, MeSH D008133, MONDO:0002442. Disease mechanism: loss of function. Inheritance: Various modes of inheritance.

Submission:

Labcorp Genetics (formerly Invitae), Labcorp
Classification: Uncertain significance for Long QT syndrome. Last evaluated: 2023-05-22. Review status: criteria provided, single submitter. Criteria: Invitae Variant Classification Sherloc (09022015). Collection method: clinical testing. Allele origin: germline.
Comment: In summary, the available evidence is currently insufficient to determine the role of this variant in disease. Therefore, it has been classified as a Variant of Uncertain Significance. An algorithm developed to predict the effect of missense changes on protein structure and function (PolyPhen-2) suggests that this variant is likely to be disruptive. This variant has not been reported in the literature in individuals affected with KCNH2-related conditions. This variant is not present in population databases (gnomAD no frequency). This sequence change replaces threonine, which is neutral and polar, with alanine, which is neutral and non-polar, at codon 473 of the KCNH2 protein (p.Thr473Ala).